The following is an entry in ClinVar:

NM_015158.5(KANK1):c.191A>G (p.Gln64Arg)

Gene: KANK1 (KN motif and ankyrin repeat domains 1; plus strand). Cytogenetic location: 9p24.3.
Variant type: single nucleotide variant.
Coding change: c.191A>G on transcript NM_015158.5 (MANE Select); coding-DNA position 191, A replaced by G.
Protein change: p.Gln64Arg; replaces glutamine 64 with arginine.
Molecular consequence: missense variant. On other transcripts: 5 prime UTR variant (12), non-coding transcript variant (1).
Genome position (GRCh38, 1-based): chr9:710,957, A>G. VCF-style: chr9-710957-A-G. GRCh37 (hg19) VCF-style: chr9-710957-A-G.
Other names: c.191A>G, p.Gln64Arg (NM_001256876.3, NM_001256877.3, NM_001354331.2 and 2 more transcripts); c.-284A>G (NM_001354333.2, NM_001354335.2, NM_001354336.2 and 9 more transcripts); short protein forms Q64R.
Identifiers: ClinVar variation 2978569 (VCV002978569.3), dbSNP rs371506094, ClinGen allele CA4959871.

ClinVar aggregate classification (germline): Uncertain significance (1 of 4 stars; one submission).

Allele frequency attached by ClinVar (database versions not stated): ExAC 0.00001; gnomAD 0.00001; gnomAD exomes 0.00001; TOPMed 0.00001; ESP Exome Variant Server 0.00008.
gnomAD v4.1: 10 of 1,614,106 alleles (0.00062%); highest among the groups gnomAD compares: Non-Finnish European, 0.00085%; no homozygotes.

Submission:

Labcorp Genetics (formerly Invitae), Labcorp
Classification: Uncertain significance. Last evaluated: 2023-06-04. Review status: criteria provided, single submitter. Criteria: Invitae Variant Classification Sherloc (09022015). Collection method: clinical testing. Allele origin: germline.
Comment: This variant is present in population databases (rs371506094, gnomAD 0.007%). In summary, the available evidence is currently insufficient to determine the role of this variant in disease. Therefore, it has been classified as a Variant of Uncertain Significance. An algorithm developed to predict the effect of missense changes on protein structure and function (PolyPhen-2) suggests that this variant is likely to be tolerated. This variant has not been reported in the literature in individuals affected with KANK1-related conditions. This sequence change replaces glutamine, which is neutral and polar, with arginine, which is basic and polar, at codon 64 of the KANK1 protein (p.Gln64Arg).